The following is an entry in ClinVar:

ClinVar aggregate classification (germline): Uncertain significance (0 of 4 stars; one submission).

Conditions:
FGFR1-related disorder. Also called: FGFR1-related condition; FGFR1-related disorders. Identifiers: MedGen CN380097.

Submission:

PreventionGenetics, part of Exact Sciences
Classification: Uncertain significance for FGFR1-related condition. Last evaluated: 2024-06-18. Review status: no assertion criteria provided. Collection method: clinical testing. Allele origin: germline.
Comment: The FGFR1 c.1264C>T variant is predicted to result in the amino acid substitution p.Pro422Ser. To our knowledge, this variant has not been reported in the literature or in a large population database, indicating this variant is rare. At this time, the clinical significance of this variant is uncertain due to the absence of conclusive functional and genetic evidence.

NM_023110.3(FGFR1):c.1264C>T (p.Pro422Ser)

Gene: FGFR1 (fibroblast growth factor receptor 1; minus strand). Cytogenetic location: 8p11.23.
Variant type: single nucleotide variant.
Coding change: c.1264C>T on transcript NM_023110.3 (MANE Select); coding-DNA position 1264, C replaced by T.
Protein change: p.Pro422Ser; replaces proline 422 with serine.
Molecular consequence: missense variant.
Genome position (GRCh38, 1-based): chr8:38,419,553, G>A on the plus strand (C>T on the coding strand, the complement: FGFR1 is on the minus strand). VCF-style: chr8-38419553-G-A. GRCh37 (hg19) VCF-style: chr8-38277071-G-A.
Other names: c.1264C>T, p.Pro422Ser (NM_001174063.2); c.1240C>T, p.Pro414Ser (NM_001174064.2); c.1258C>T, p.Pro420Ser (NM_001174065.2, NM_001354367.2, NM_001354369.2 and 2 more transcripts); c.997C>T, p.Pro333Ser (NM_001174066.2, NM_023105.3); c.1357C>T, p.Pro453Ser (NM_001174067.2); c.991C>T, p.Pro331Ser (NM_001354368.2, NM_001354370.2, NM_023106.3); short protein forms P331S, P333S, P414S, P420S, P422S, P453S.
Identifiers: ClinVar variation 3346857 (VCV003346857.1).